The following is an entry in ClinVar:

NM_014806.5(RUSC2):c.2267G>A (p.Arg756Gln)

Gene: RUSC2 (RUN and SH3 domain containing 2; plus strand). Cytogenetic location: 9p13.3.
Variant type: single nucleotide variant.
Coding change: c.2267G>A on transcript NM_014806.5 (MANE Select); coding-DNA position 2267, G replaced by A.
Protein change: p.Arg756Gln; replaces arginine 756 with glutamine.
Molecular consequence: missense variant. On other transcripts: 5 prime UTR variant (1), non-coding transcript variant (1).
Genome position (GRCh38, 1-based): chr9:35,555,312, G>A. VCF-style: chr9-35555312-G-A. GRCh37 (hg19) VCF-style: chr9-35555309-G-A.
Other names: c.2267G>A, p.Arg756Gln (NM_001135999.2); c.-368G>A (NM_001330740.2); c.2267G>A (NM_001135999.1); short protein forms R756Q.
Identifiers: ClinVar variation 1399177 (VCV001399177.9), dbSNP rs747217604, ClinGen allele CA5043836.

ClinVar aggregate classification (germline): Uncertain significance. Review status: criteria provided, multiple submitters, no conflicts (2 of 4 stars). 2 submissions from 2 submitters: Uncertain significance (2). Last evaluated 2023-05-23.

Allele frequency attached by ClinVar (database versions not stated): gnomAD 0.00001; gnomAD exomes 0.00002; ExAC 0.00003; TOPMed 0.00003.
gnomAD v4.1: 46 of 1,613,944 alleles (0.0029%); highest among the groups gnomAD compares: Non-Finnish European, 0.0036%; no homozygotes.

Submissions (2):

Ambry Genetics
Classification: Uncertain significance. Last evaluated: 2023-05-23. Review status: criteria provided, single submitter. Criteria: Ambry Variant Classification Scheme 2023. Collection method: clinical testing. Allele origin: germline.

Labcorp Genetics (formerly Invitae), Labcorp
Classification: Uncertain significance. Last evaluated: 2022-07-11. Review status: criteria provided, single submitter. Criteria: Invitae Variant Classification Sherloc (09022015). Collection method: clinical testing. Allele origin: germline.
Comment: This sequence change replaces arginine, which is basic and polar, with glutamine, which is neutral and polar, at codon 756 of the RUSC2 protein (p.Arg756Gln). This variant is present in population databases (rs747217604, gnomAD 0.006%). This variant has not been reported in the literature in individuals affected with RUSC2-related conditions. ClinVar contains an entry for this variant (Variation ID: 1399177). Algorithms developed to predict the effect of missense changes on protein structure and function output the following: SIFT: "Tolerated"; PolyPhen-2: "Benign"; Align-GVGD: "Class C0". The glutamine amino acid residue is found in multiple mammalian species, which suggests that this missense change does not adversely affect protein function. In summary, the available evidence is currently insufficient to determine the role of this variant in disease. Therefore, it has been classified as a Variant of Uncertain Significance.